The following is an entry in ClinVar:

NM_002019.4(FLT1):c.3602C>T (p.Pro1201Leu)

Gene: FLT1 (fms related receptor tyrosine kinase 1; minus strand). Cytogenetic location: 13q12.3.
Variant type: single nucleotide variant.
Coding change: c.3602C>T on transcript NM_002019.4 (MANE Select); coding-DNA position 3602, C replaced by T.
Protein change: p.Pro1201Leu; replaces proline 1201 with leucine.
Molecular consequence: missense variant.
Genome position (GRCh38, 1-based): chr13:28,311,623, G>A on the plus strand (C>T on the coding strand, the complement: FLT1 is on the minus strand). VCF-style: chr13-28311623-G-A. GRCh37 (hg19) VCF-style: chr13-28885760-G-A.
Other names: short protein forms P1201L.
Identifiers: ClinVar variation 713553 (VCV000713553.28), dbSNP rs140861115, ClinGen allele CA6929884.

ClinVar aggregate classification (germline): Likely benign. Review status: criteria provided, multiple submitters, no conflicts (2 of 4 stars). 3 submissions from 3 submitters: Likely benign (3). Last evaluated 2023-07-01.

Allele frequency attached by ClinVar (database versions not stated): 1000 Genomes Project 0.00080; 1000 Genomes Project 30x 0.00094; ExAC 0.00220; TOPMed 0.00257; gnomAD exomes 0.00267 and 0.00416; ESP Exome Variant Server 0.00284; gnomAD 0.00288 and 0.00303.
gnomAD v4.1: 6,509 of 1,613,588 alleles (0.4%); highest among the groups gnomAD compares: Non-Finnish European, 0.48%; 17 homozygotes.

Submissions (3):

CeGaT Center for Human Genetics Tuebingen
Classification: Likely benign. Last evaluated: 2023-07-01. Review status: criteria provided, single submitter. Criteria: CeGaT Center For Human Genetics Tuebingen Variant Classification Criteria Version 2. Collection method: clinical testing. Allele origin: germline. Affected: yes. Observed: 2 variant alleles.
Comment: FLT1: BP4, BS2

Labcorp Genetics (formerly Invitae), Labcorp
Classification: Likely benign. Last evaluated: 2018-04-10. Review status: criteria provided, single submitter. Criteria: Invitae Variant Classification Sherloc (09022015). Collection method: clinical testing. Allele origin: germline.

Breakthrough Genomics
Classification: Likely benign. Review status: criteria provided, single submitter. Criteria: ACMG Guidelines, 2015. Collection method: not provided. Allele origin: germline. Inheritance: Unknown mechanism. Affected: yes.